The following is an entry in ClinVar:

ClinVar aggregate classification (germline): Uncertain significance. Review status: criteria provided, multiple submitters, no conflicts (2 of 4 stars). 2 submissions from 2 submitters: Uncertain significance (2). Last evaluated 2025-12-05.

gnomAD v4.1: 39 of 1,614,148 alleles (0.0024%); highest among the groups gnomAD compares: Non-Finnish European, 0.0033%; no homozygotes.

Submissions (2):

Labcorp Genetics (formerly Invitae), Labcorp
Classification: Uncertain significance. Last evaluated: 2025-12-05. Review status: criteria provided, single submitter. Criteria: Invitae Variant Classification Sherloc (09022015). Collection method: clinical testing. Allele origin: germline.
Comment: This sequence change replaces proline, which is neutral and non-polar, with leucine, which is neutral and non-polar, at codon 225 of the PNLIP protein (p.Pro225Leu). This variant is present in population databases (rs781245524, gnomAD 0.0009%). This variant has not been reported in the literature in individuals affected with PNLIP-related conditions. ClinVar contains an entry for this variant (Variation ID: 2543935). An algorithm developed to predict the effect of missense changes on protein structure and function (PolyPhen-2) suggests that this variant is likely to be disruptive. In summary, the available evidence is currently insufficient to determine the role of this variant in disease. Therefore, it has been classified as a Variant of Uncertain Significance.

Ambry Genetics
Classification: Uncertain significance. Last evaluated: 2023-05-05. Review status: criteria provided, single submitter. Criteria: Ambry Variant Classification Scheme 2023. Collection method: clinical testing. Allele origin: germline.

NM_000936.4(PNLIP):c.674C>T (p.Pro225Leu)

Gene: PNLIP (pancreatic lipase; plus strand). Cytogenetic location: 10q25.3.
Variant type: single nucleotide variant.
Coding change: c.674C>T on transcript NM_000936.4 (MANE Select); coding-DNA position 674, C replaced by T.
Protein change: p.Pro225Leu; replaces proline 225 with leucine.
Molecular consequence: missense variant.
Genome position (GRCh38, 1-based): chr10:116,555,280, C>T. VCF-style: chr10-116555280-C-T. GRCh37 (hg19) VCF-style: chr10-118314792-C-T.
Other names: short protein forms P225L.
Identifiers: ClinVar variation 2543935 (VCV002543935.3), dbSNP rs781245524, ClinGen allele CA214644246.